The following is an entry in ClinVar:

NM_000497.4(CYP11B1):c.55C>T (p.Gln19Ter)

Genes: CYP11B1 (cytochrome P450 family 11 subfamily B member 1; minus strand), LOC110673972 (CYP11B1 promoter; plus strand). Cytogenetic location: 8q24.3.
Variant type: single nucleotide variant.
Coding change: c.55C>T on transcript NM_000497.4 (MANE Select); coding-DNA position 55, C replaced by T.
Protein change: p.Gln19Ter; replaces glutamine 19 with a stop codon.
Molecular consequence: nonsense.
Genome position (GRCh38, 1-based): chr8:142,879,759, G>A on the plus strand (C>T on the coding strand, the complement: CYP11B1 is on the minus strand). VCF-style: chr8-142879759-G-A. GRCh37 (hg19) VCF-style: chr8-143961175-G-A.
Other names: c.55C>T, p.Gln19Ter (NM_001026213.1); short protein forms Q19*.
Identifiers: ClinVar variation 551903 (VCV000551903.15), dbSNP rs763195324, ClinGen allele CA372397430.

ClinVar aggregate classification (germline): Pathogenic/Likely pathogenic. Review status: criteria provided, multiple submitters, no conflicts (2 of 4 stars). 5 submissions from 5 submitters: Pathogenic (3); Likely pathogenic (1). 1 of the submissions does not count toward it. Last evaluated 2024-01-04.

Conditions:
Deficiency of steroid 11-beta-monooxygenase (CYP11B1). Also called: ADRENAL HYPERPLASIA, CONGENITAL, DUE TO STEROID 11-BETA-HYDROXYLASE DEFICIENCY; P450C11B1 DEFICIENCY; ADRENAL HYPERPLASIA IV; 11-BETA-HYDROXYLASE DEFICIENCY; STEROID 11-BETA-HYDROXYLASE DEFICIENCY; Congenital adrenal hyperplasia due to 11-beta-hydroxylase deficiency. Identifiers: Orphanet 90795, MedGen C0268292, MONDO:0008729, OMIM 202010. Disease mechanism: loss of function.
Glucocorticoid-remediable aldosteronism. Also called: ACTH-DEPENDENT HYPERALDOSTERONISM SYNDROME; ALDOSTERONISM, SENSITIVE TO DEXAMETHASONE; Hyperaldosteronism, familial, type I; FH I; GLUCOCORTICOID-SUPPRESSIBLE HYPERALDOSTERONISM. Identifiers: Orphanet 403, MedGen C3838731, MONDO:0007080, OMIM 103900.
CYP11B1-related disorder. Also called: CYP11B1-related condition.

gnomAD v4.1: 42 of 1,614,178 alleles (0.0026%); highest among the groups gnomAD compares: Non-Finnish European, 0.0035%; no homozygotes.

Submissions (5):

Fulgent Genetics
Classification: Likely pathogenic for Glucocorticoid-remediable aldosteronism; Deficiency of steroid 11-beta-monooxygenase. Last evaluated: 2024-01-04. Review status: criteria provided, single submitter. Criteria: ACMG Guidelines, 2015. Collection method: clinical testing. Allele origin: germline.

Baylor Genetics
Classification: Pathogenic for Deficiency of steroid 11-beta-monooxygenase. Last evaluated: 2023-12-11. Review status: criteria provided, single submitter. Criteria: ACMG Guidelines, 2015. Collection method: clinical testing. Allele origin: unknown.

Blueprint Genetics
Classification: Pathogenic for CYP11B1-related disorders. Last evaluated: 2023-05-05. Review status: criteria provided, single submitter. Criteria: ACMG Guidelines, 2015. Collection method: clinical testing. Allele origin: germline. Affected: yes. Observed: 1 variant allele.

Labcorp Genetics (formerly Invitae), Labcorp
Classification: Pathogenic. Last evaluated: 2022-11-17. Review status: criteria provided, single submitter. Criteria: Invitae Variant Classification Sherloc (09022015). Collection method: clinical testing. Allele origin: germline.
Comment: For these reasons, this variant has been classified as Pathogenic. ClinVar contains an entry for this variant (Variation ID: 551903). This premature translational stop signal has been observed in individual(s) with adrenal hyperplasia (PMID: 9435454). This variant is present in population databases (no rsID available, gnomAD no frequency). This sequence change creates a premature translational stop signal (p.Gln19*) in the CYP11B1 gene. It is expected to result in an absent or disrupted protein product. Loss-of-function variants in CYP11B1 are known to be pathogenic (PMID: 8506298, 26476331).

Counsyl
Classification: Likely pathogenic for Deficiency of steroid 11-beta-monooxygenase. Last evaluated: 2017-10-09. Review status: no assertion criteria provided. Collection method: clinical testing. Allele origin: unknown. Not counted in ClinVar's aggregate classification.

Literature cited by the submitters: PubMed 9435454 (cited by Labcorp Genetics (formerly Invitae), Labcorp and Counsyl); PubMed 8506298 (cited by Labcorp Genetics (formerly Invitae), Labcorp); PubMed 26476331 (cited by Labcorp Genetics (formerly Invitae), Labcorp); PubMed 20089618 (cited by Counsyl).